The following is an entry in ClinVar:

ClinVar aggregate classification (germline): Uncertain significance (1 of 4 stars; one submission).

Allele frequency attached by ClinVar (database versions not stated): gnomAD exomes below 0.00001; TOPMed below 0.00001.
gnomAD v4.1: 1 of 1,464,132 alleles (0.000068%); highest among the groups gnomAD compares: Admixed American, 0.0018%; no homozygotes.

Submission:

Labcorp Genetics (formerly Invitae), Labcorp
Classification: Uncertain significance. Last evaluated: 2022-07-14. Review status: criteria provided, single submitter. Criteria: Invitae Variant Classification Sherloc (09022015). Collection method: clinical testing. Allele origin: germline.
Comment: This variant is present in population databases (no rsID available, gnomAD 0.003%). This sequence change replaces methionine, which is neutral and non-polar, with leucine, which is neutral and non-polar, at codon 45 of the RBP4 protein (p.Met45Leu). This variant has not been reported in the literature in individuals affected with RBP4-related conditions. Algorithms developed to predict the effect of missense changes on protein structure and function output the following: SIFT: "Tolerated"; PolyPhen-2: "Benign"; Align-GVGD: "Class C0". The leucine amino acid residue is found in multiple mammalian species, which suggests that this missense change does not adversely affect protein function. In summary, the available evidence is currently insufficient to determine the role of this variant in disease. Therefore, it has been classified as a Variant of Uncertain Significance.

NM_006744.4(RBP4):c.133A>C (p.Met45Leu)

Gene: RBP4 (retinol binding protein 4; minus strand). Cytogenetic location: 10q23.33.
Variant type: single nucleotide variant.
Coding change: c.133A>C on transcript NM_006744.4 (MANE Select); coding-DNA position 133, A replaced by C.
Protein change: p.Met45Leu; replaces methionine 45 with leucine.
Molecular consequence: missense variant.
Genome position (GRCh38, 1-based): chr10:93,600,782, T>G on the plus strand (A>C on the coding strand, the complement: RBP4 is on the minus strand). VCF-style: chr10-93600782-T-G. GRCh37 (hg19) VCF-style: chr10-95360539-T-G.
Other names: c.133A>C, p.Met45Leu (NM_001323517.1); c.127A>C, p.Met43Leu (NM_001323518.2); short protein forms M43L, M45L.
Identifiers: ClinVar variation 1714039 (VCV001714039.5), dbSNP rs1163778506, ClinGen allele CA377618498.